The following is an entry in ClinVar:

ClinVar aggregate classification (germline): Uncertain significance (1 of 4 stars; one submission).

Conditions:
Xanthinuria type II. Also called: Xanthine dehydrogenase and aldehyde oxidase combined deficiency of; XDH and AOX dual deficiency. Identifiers: Orphanet 3467, Orphanet 93602, MedGen C1863688, MONDO:0011346, OMIM 603592.

Submission:

Labcorp Genetics (formerly Invitae), Labcorp
Classification: Uncertain significance for Xanthinuria type II. Last evaluated: 2022-08-19. Review status: criteria provided, single submitter. Criteria: Invitae Variant Classification Sherloc (09022015). Collection method: clinical testing. Allele origin: germline.
Comment: This sequence change replaces methionine, which is neutral and non-polar, with isoleucine, which is neutral and non-polar, at codon 846 of the MOCOS protein (p.Met846Ile). This variant is not present in population databases (gnomAD no frequency). This variant has not been reported in the literature in individuals affected with MOCOS-related conditions. Algorithms developed to predict the effect of missense changes on protein structure and function (SIFT, PolyPhen-2, Align-GVGD) all suggest that this variant is likely to be tolerated. In summary, the available evidence is currently insufficient to determine the role of this variant in disease. Therefore, it has been classified as a Variant of Uncertain Significance.

NM_017947.4(MOCOS):c.2538G>A (p.Met846Ile)

Gene: MOCOS (molybdenum cofactor sulfurase; plus strand). Cytogenetic location: 18q12.2.
Variant type: single nucleotide variant.
Coding change: c.2538G>A on transcript NM_017947.4 (MANE Select); coding-DNA position 2538, G replaced by A.
Protein change: p.Met846Ile; replaces methionine 846 with isoleucine.
Molecular consequence: missense variant.
Genome position (GRCh38, 1-based): chr18:36,268,556, G>A. VCF-style: chr18-36268556-G-A. GRCh37 (hg19) VCF-style: chr18-33848519-G-A.
Other names: short protein forms M846I.
Identifiers: ClinVar variation 1716870 (VCV001716870.3), dbSNP rs2510988795, ClinGen allele CA402291519.
Genomic context (GRCh38, chr18:36,268,556, plus strand): 5'-CTAGCCTTTTTTGTTGTTGTTGCTGTTTTGTTCACAGGTGAACTTTGGCATGTACCTGAT[G>A]CATGCATCATTGGATTTATCCTCCCCATGTTTCCTGTCTGTAGGATCTCAGGTGCTCCCT-3'
Protein context (NP_060417.4, residues 836-856): ETKVNFGMYL[Met846Ile]HASLDLSSPC